The following is an entry in ClinVar:

NM_000059.4(BRCA2):c.4806_4808del (p.Lys1602del)

Gene: BRCA2 (BRCA2 DNA repair associated; plus strand). Cytogenetic location: 13q13.1.
Variant type: Deletion.
Coding change: c.4806_4808del on transcript NM_000059.4 (MANE Select); coding-DNA positions 4806 to 4808, 3 bases deleted (AAA; older notation c.4806_4808delAAA).
Protein change: p.Lys1602del; deletes lysine 1602.
Molecular consequence: inframe deletion.
Genome position (GRCh38, 1-based): chr13:32,339,161-32,339,163, AAA deleted; deleting any 3 consecutive bases within chr13:32,339,159-32,339,163 gives the same sequence; the c. name uses the placement nearest the transcript's 3' end. VCF-style (leftmost placement, unchanged base first): chr13-32339158-TAAA-T. GRCh37 (hg19) VCF-style: chr13-32913295-TAAA-T.
Other names: c.4806_4808delAAA (NM_000059.3); short protein forms K1602del.
Identifiers: ClinVar variation 1364082 (VCV001364082.8), dbSNP rs80359466, ClinGen allele CA2573149282.
Genomic context (GRCh38, chr13:32,339,158, plus strand): 5'-GACCATTGAGATCACAGCTGCCCCAAAGTGTAAAGAAATGCAGAATTCTCTCAATAATGA[TAAA>T]AACCTTGTTTCTATTGAGACTGTGGTGCCACCTAAGCTCTTAAGTGATAATTTATGTAGA-3'

ClinVar aggregate classification (germline): Uncertain significance. Review status: criteria provided, multiple submitters, no conflicts (2 of 4 stars). 3 submissions from 3 submitters: Uncertain significance (3). Last evaluated 2026-01-26.

Conditions:
BRCA2-related cancer predisposition. Identifiers: MedGen CN377758, MONDO:0700269.
Hereditary cancer-predisposing syndrome. Also called: Neoplastic Syndromes, Hereditary; Tumor predisposition; Hereditary neoplastic syndrome; Hereditary Cancer Syndrome. Identifiers: Orphanet 140162, MedGen C0027672, MeSH D009386, MONDO:0015356.
Hereditary breast ovarian cancer syndrome. Also called: Hereditary breast and ovarian cancer; Hereditary breast and/or ovarian cancer syndrome; BRCA1- and BRCA2-Associated Hereditary Breast and Ovarian Cancer; Hereditary breast and ovarian cancer syndrome; Hereditary breast and ovarian cancer syndrome (HBOC); Breast and ovarian cancer. Identifiers: Orphanet 145, MedGen C0677776, MeSH D061325, MONDO:0003582. Disease mechanism: loss of function.

Submissions (3):

Labcorp Genetics (formerly Invitae), Labcorp
Classification: Uncertain significance for Hereditary breast ovarian cancer syndrome. Last evaluated: 2026-01-26. Review status: criteria provided, single submitter. Criteria: Invitae Variant Classification Sherloc (09022015). Collection method: clinical testing. Allele origin: germline.
Comment: This variant, c.4806_4808del, results in the deletion of 1 amino acid(s) of the BRCA2 protein (p.Lys1602del), but otherwise preserves the integrity of the reading frame. This variant is not present in population databases (gnomAD no frequency). This variant has not been reported in the literature in individuals affected with BRCA2-related conditions. ClinVar contains an entry for this variant (Variation ID: 1364082). Experimental studies and prediction algorithms are not available or were not evaluated, and the functional significance of this variant is currently unknown. In summary, the available evidence is currently insufficient to determine the role of this variant in disease. Therefore, it has been classified as a Variant of Uncertain Significance.

All of Us Research Program, National Institutes of Health
Classification: Uncertain significance for BRCA2-related cancer predisposition. Last evaluated: 2024-07-29. Review status: criteria provided, single submitter. Criteria: ACMG Guidelines, 2015. Collection method: clinical testing. Allele origin: germline. Inheritance: Autosomal dominant inheritance. Observed: 1 variant allele, 1 heterozygote.
Comment: This variant causes an in-frame deletion of 1 amino acid in exon 11 of the BRCA2 protein. To our knowledge, functional studies have not been reported for this variant. This variant has not been reported in individuals affected with BRCA2-related disorders in the literature. This variant has not been identified in the general population by the Genome Aggregation Database (gnomAD). The available evidence is insufficient to determine the role of this variant in disease conclusively. Therefore, this variant is classified as a Variant of Uncertain Significance.

This study involves interpretation of variants in research participants for the purpose of population health screening. Participant phenotype was not available at the time of variant classification. Additional details can be found in publication PMID: 35346344, PMCID: PMC8962531

Ambry Genetics
Classification: Uncertain significance for Hereditary cancer-predisposing syndrome. Last evaluated: 2023-12-21. Review status: criteria provided, single submitter. Criteria: Ambry Variant Classification Scheme 2023. Collection method: clinical testing. Allele origin: germline.
Comment: The c.4806_4808delAAA variant (also known as p.K1602del) is located in coding exon 10 of the BRCA2 gene. This variant results from an in-frame AAA deletion at nucleotide positions 4806 to 4808. This results in the in-frame deletion of a lysine at codon 1602. This amino acid position is not well conserved in available vertebrate species. In addition, the in silico prediction for this alteration is inconclusive (Choi Y et al. PLoS ONE. 2012; 7(10):e46688). Since supporting evidence is limited at this time, the clinical significance of this alteration remains unclear.